The following is an entry in ClinVar:

ClinVar aggregate classification (germline): Uncertain significance (1 of 4 stars; one submission).

Conditions:
Inborn genetic diseases. Identifiers: MedGen C0950123, MeSH D030342.

Submission:

Ambry Genetics
Classification: Uncertain significance for Inborn genetic diseases. Last evaluated: 2026-02-24. Review status: criteria provided, single submitter. Criteria: Ambry Variant Classification Scheme 2023. Collection method: clinical testing. Allele origin: germline.
Comment: The p.V1378I variant (also known as c.4132G>A), located in coding exon 1 of the SAMD9 gene, results from a G to A substitution at nucleotide position 4132. The valine at codon 1378 is replaced by isoleucine, an amino acid with highly similar properties. This amino acid position is conserved. In addition, this alteration is predicted to be tolerated by in silico analysis. Based on the available evidence, the clinical significance of this variant remains unclear.

NM_017654.4(SAMD9):c.4132G>A (p.Val1378Ile)

Gene: SAMD9 (sterile alpha motif domain containing 9; minus strand). Cytogenetic location: 7q21.2.
Variant type: single nucleotide variant.
Coding change: c.4132G>A on transcript NM_017654.4 (MANE Select); coding-DNA position 4132, G replaced by A.
Protein change: p.Val1378Ile; replaces valine 1378 with isoleucine.
Molecular consequence: missense variant.
Genome position (GRCh38, 1-based): chr7:93,101,966, C>T on the plus strand (G>A on the coding strand, the complement: SAMD9 is on the minus strand). VCF-style: chr7-93101966-C-T. GRCh37 (hg19) VCF-style: chr7-92731279-C-T.
Other names: c.4132G>A, p.Val1378Ile (NM_001193307.2); short protein forms V1378I.
Identifiers: ClinVar variation 4827002 (VCV004827002.1).
Genomic context (GRCh38, chr7:93,101,966, plus strand): 5'-TACAGGAGAGAATAATGTTGGCCAAGATGAAATTTAGCTTTTCTTTTGACTGGATTTTGA[C>T]AGTGCATTGTTCTAAGAGAAAAGTATATTCGTTCACTATACATTTCATAGTGCTTATAGC-3'
Protein context (NP_060124.2, residues 1368-1388): EYTFLLEQCT[Val1378Ile]KIQSKEKLNF